The following is an entry in ClinVar:

ClinVar aggregate classification (germline): Likely benign. Review status: criteria provided, multiple submitters, no conflicts (2 of 4 stars). 2 submissions from 2 submitters: Likely benign (2). Last evaluated 2025-09-19.

Conditions:
Long QT syndrome (LQTS). Identifiers: MedGen C0023976, MeSH D008133, MONDO:0002442. Disease mechanism: loss of function. Inheritance: Various modes of inheritance.
ANK2-related disorder. Also called: ANK2-related condition.

Submissions (2):

Labcorp Genetics (formerly Invitae), Labcorp
Classification: Likely benign for Long QT syndrome. Last evaluated: 2025-09-19. Review status: criteria provided, single submitter. Criteria: Invitae Variant Classification Sherloc (09022015). Collection method: clinical testing. Allele origin: germline.

PreventionGenetics, part of Exact Sciences
Classification: Likely benign for ANK2-related condition. Last evaluated: 2024-11-08. Review status: criteria provided, single submitter. Criteria: ACMG Guidelines, 2015. Collection method: clinical testing. Allele origin: germline.
Comment: This variant is classified as likely benign based on ACMG/AMP sequence variant interpretation guidelines (Richards et al. 2015 PMID: 25741868, with internal and published modifications).

NM_001148.6(ANK2):c.6075T>G (p.Gly2025=)

Genes: ANK2 (ankyrin 2; plus strand), LOC126807136 (MED14-independent group 3 enhancer GRCh37_chr4:114274931-114276130; plus strand). Cytogenetic location: 4q26.
Variant type: single nucleotide variant.
Coding change: c.6075T>G on transcript NM_001148.6 (MANE Select); coding-DNA position 6075, T replaced by G.
Protein change: p.Gly2025=; no amino-acid change (glycine 2025 retained).
Molecular consequence: synonymous variant. On other transcripts: intron variant (68).
Genome position (GRCh38, 1-based): chr4:113,354,693, T>G. VCF-style: chr4-113354693-T-G. GRCh37 (hg19) VCF-style: chr4-114275849-T-G.
Other names: c.5841T>G, p.Gly1947= (NM_001386142.1); c.2475T>G, p.Gly825= (NM_001386166.1); c.6216T>G, p.Gly2072= (NM_001386174.1); c.6192T>G, p.Gly2064= (NM_001386175.1); c.4411+4444T>G (NM_001386186.2, NM_001386148.2); c.4213+4444T>G (NM_001354269.3); c.4291+4444T>G (NM_001386187.2); c.4252+4444T>G (NM_001386147.1); and 35 more.
Identifiers: ClinVar variation 4724433 (VCV004724433.2).
Genomic context (GRCh38, chr4:113,354,693, plus strand): 5'-ACATAAAACTGGACTCTTTGAGCACAAATCAGCAAAACAAAAGCAGCCACAAGAGAAAGG[T>G]AAAGTTCGGGTAGAAAAAGAAAAGGGGCCGATACTAACCCAGAGAGAAGCTCAGAAAACA-3'
Protein context (NP_001139.3, residues 2015-2035): SAKQKQPQEK[Gly2025=]KVRVEKEKGP